The following is an entry in ClinVar:

NM_001364171.2(ODAD1):c.729C>T (p.Ser243=)

Gene: ODAD1 (outer dynein arm docking complex subunit 1; minus strand). Cytogenetic location: 19q13.33.
Variant type: single nucleotide variant.
Coding change: c.729C>T on transcript NM_001364171.2 (MANE Select); coding-DNA position 729, C replaced by T.
Protein change: p.Ser243=; no amino-acid change (serine 243 retained).
Molecular consequence: synonymous variant.
Genome position (GRCh38, 1-based): chr19:48,304,077, G>A on the plus strand (C>T on the coding strand, the complement: ODAD1 is on the minus strand). VCF-style: chr19-48304077-G-A. GRCh37 (hg19) VCF-style: chr19-48807334-G-A.
Other names: c.618C>T, p.Ser206= (NM_144577.4).
Identifiers: ClinVar variation 700637 (VCV000700637.9), dbSNP rs547074727, ClinGen allele CA9548973.

ClinVar aggregate classification (germline): Likely benign. Review status: criteria provided, multiple submitters, no conflicts (2 of 4 stars). 4 submissions from 4 submitters: Likely benign (4). Last evaluated 2026-07-17.

Conditions:
ODAD1-related disorder. Also called: ODAD1-related condition.
Primary ciliary dyskinesia. Also called: Ciliary dyskinesia. Identifiers: Orphanet 244, MedGen C0008780, MONDO:0016575, HP:0012265.

Allele frequency attached by ClinVar (database versions not stated): gnomAD 0.00002 and 0.00003; TOPMed 0.00004; ExAC 0.00011; gnomAD exomes 0.00014; 1000 Genomes Project 30x 0.00016; 1000 Genomes Project 0.00020.
gnomAD v4.1: 61 of 1,614,066 alleles (0.0038%); highest among the groups gnomAD compares: Admixed American, 0.062%; no homozygotes.

Submissions (4):

PreventionGenetics, part of Exact Sciences
Classification: Likely benign for ODAD1-related condition. Last evaluated: 2026-07-17. Review status: criteria provided, single submitter. Criteria: ACMG Guidelines, 2015. Collection method: clinical testing. Allele origin: germline.
Comment: This variant is classified as likely benign based on ACMG/AMP sequence variant interpretation guidelines (Richards et al. 2015 PMID: 25741868, with internal and published modifications).

CeGaT Center for Human Genetics Tuebingen
Classification: Likely benign. Last evaluated: 2026-07-01. Review status: criteria provided, single submitter. Criteria: CeGaT Center For Human Genetics Tuebingen Variant Classification Criteria Version 2. Collection method: clinical testing. Allele origin: germline. Affected: yes. Observed: 1 variant allele.
Comment: ODAD1: BP4, BP7

Ambry Genetics
Classification: Likely benign for Primary ciliary dyskinesia. Last evaluated: 2025-12-16. Review status: criteria provided, single submitter. Criteria: Ambry Variant Classification Scheme 2023. Collection method: clinical testing. Allele origin: germline.

Labcorp Genetics (formerly Invitae), Labcorp
Classification: Likely benign for Primary ciliary dyskinesia. Last evaluated: 2025-11-24. Review status: criteria provided, single submitter. Criteria: Invitae Variant Classification Sherloc (09022015). Collection method: clinical testing. Allele origin: germline.